The following is an entry in ClinVar:

ClinVar aggregate classification (germline): Uncertain significance. Review status: criteria provided, multiple submitters, no conflicts (2 of 4 stars). 2 submissions from 2 submitters: Uncertain significance (2). Last evaluated 2024-03-30.

Conditions:
Chondrosarcoma. Also called: Chondrosarcoma, somatic. Identifiers: Orphanet 55880, MedGen C0008479, MONDO:0008977, OMIM 215300, HP:0006765.
Multiple congenital exostosis (EXT). Also called: Hereditary multiple osteochondromas; Multiple exostoses; Hereditary multiple exostoses; Hereditary multiple exostosis; Multiple osteochondromas; MULTIPLE CARTILAGINOUS EXOSTOSES. Identifiers: Orphanet 321, MedGen C0015306, MONDO:0005508, HP:0002762.

Allele frequency attached by ClinVar (database versions not stated): gnomAD exomes below 0.00001; gnomAD 0.00001; ExAC 0.00002; TOPMed 0.00002; ESP Exome Variant Server 0.00008.
gnomAD v4.1: 2 of 1,614,076 alleles (0.00012%); highest among the groups gnomAD compares: African/African-American, 0.0027%; no homozygotes.

Submissions (2):

Baylor Genetics
Classification: Uncertain significance for Chondrosarcoma. Last evaluated: 2024-03-30. Review status: criteria provided, single submitter. Criteria: ACMG Guidelines, 2015. Collection method: clinical testing. Allele origin: unknown.

Labcorp Genetics (formerly Invitae), Labcorp
Classification: Uncertain significance for Multiple congenital exostosis. Last evaluated: 2023-08-03. Review status: criteria provided, single submitter. Criteria: Invitae Variant Classification Sherloc (09022015). Collection method: clinical testing. Allele origin: germline.
Comment: This variant has not been reported in the literature in individuals affected with EXT1-related conditions. This sequence change replaces threonine, which is neutral and polar, with isoleucine, which is neutral and non-polar, at codon 223 of the EXT1 protein (p.Thr223Ile). This variant is present in population databases (rs149242997, gnomAD 0.008%). Advanced modeling of protein sequence and biophysical properties (such as structural, functional, and spatial information, amino acid conservation, physicochemical variation, residue mobility, and thermodynamic stability) performed at Invitae indicates that this missense variant is not expected to disrupt EXT1 protein function. In summary, the available evidence is currently insufficient to determine the role of this variant in disease. Therefore, it has been classified as a Variant of Uncertain Significance.

NM_000127.3(EXT1):c.668C>T (p.Thr223Ile)

Gene: EXT1 (exostosin glycosyltransferase 1; minus strand). Cytogenetic location: 8q24.11.
Variant type: single nucleotide variant.
Coding change: c.668C>T on transcript NM_000127.3 (MANE Select); coding-DNA position 668, C replaced by T.
Protein change: p.Thr223Ile; replaces threonine 223 with isoleucine.
Molecular consequence: missense variant.
Genome position (GRCh38, 1-based): chr8:118,110,379, G>A on the plus strand (C>T on the coding strand, the complement: EXT1 is on the minus strand). VCF-style: chr8-118110379-G-A. GRCh37 (hg19) VCF-style: chr8-119122618-G-A.
Other names: short protein forms T223I.
Identifiers: ClinVar variation 2730240 (VCV002730240.4), dbSNP rs149242997, ClinGen allele CA4854329.